The following is an entry in ClinVar:

ClinVar aggregate classification (germline): Pathogenic (1 of 4 stars; one submission).

Conditions:
Familial cancer of breast. Also called: BREAST CANCER, FAMILIAL; hereditary breast carcinoma; Hereditary breast cancer. Identifiers: Orphanet 227535, MedGen C0346153, MONDO:0016419, OMIM 114480. Disease mechanism: loss of function.

Submission:

Labcorp Genetics (formerly Invitae), Labcorp
Classification: Pathogenic for Familial cancer of breast. Last evaluated: 2021-08-17. Review status: criteria provided, single submitter. Criteria: Invitae Variant Classification Sherloc (09022015). Collection method: clinical testing. Allele origin: germline.
Comment: For these reasons, this variant has been classified as Pathogenic. This variant has not been reported in the literature in individuals affected with CHEK2-related conditions. This variant is not present in population databases (ExAC no frequency). This sequence change creates a premature translational stop signal (p.Val150Leufs*31) in the CHEK2 gene. It is expected to result in an absent or disrupted protein product. Loss-of-function variants in CHEK2 are known to be pathogenic (PMID: 21876083, 24713400).

Literature cited by the submitters: PubMed 21876083; PubMed 24713400.

NM_007194.4(CHEK2):c.448_461del (p.Val150fs)

Gene: CHEK2 (checkpoint kinase 2; minus strand). Cytogenetic location: 22q12.1.
Variant type: Deletion.
Coding change: c.448_461del on transcript NM_007194.4 (MANE Select); coding-DNA positions 448 to 461, 14 bases deleted (GTGGGTCCTAAAAA).
Protein change: p.Val150fs; shifts the reading frame from valine 150.
Molecular consequence: frameshift variant. On other transcripts: 5 prime UTR variant (2), intron variant (1).
Genome position (GRCh38, 1-based): chr22:28,725,108-28,725,121, TTTTTAGGACCCAC deleted on the plus strand (GTGGGTCCTAAAAA on the coding strand, the reverse complement: CHEK2 is on the minus strand); deleting any 14 consecutive bases within chr22:28,725,108-28,725,123 gives the same sequence; the c. name uses the placement nearest the transcript's 3' end. VCF-style (leftmost placement, unchanged base first): chr22-28725107-GTTTTTAGGACCCAC-G. GRCh37 (hg19) VCF-style: chr22-29121095-GTTTTTAGGACCCAC-G.
Other names: c.577_590del, p.Val193fs (NM_001005735.3, NM_001438294.1); c.-330_-317del (NM_001257387.3); c.-216_-203del (NM_001437942.1); c.541_554del, p.Val181fs (NM_001438293.1, NM_001438295.1); c.448_461del, p.Val150fs (NM_145862.3); c.444+122_444+135del (NM_001349956.3); short protein forms V150fs, V193fs, V181fs.
Identifiers: ClinVar variation 1458798 (VCV001458798.7), dbSNP rs2146061709, ClinGen allele CA2573158007.
Genomic context (GRCh38, chr22:28,725,107, plus strand): 5'-AAGCTCTGTATTTACAAAGGTTCCATTGCCACTGTGATCTTCTATGTATGCAATGTAAGA[GTTTTTAGGACCCAC>G]TTCCTAAAATAGAGAACATTTTGTTTCAGACTTTGAATAGCAGAGATTTATAGTGGGAAA-3'